The following is an entry in ClinVar:

NM_005477.3(HCN4):c.3568G>A (p.Ala1190Thr)

Gene: HCN4 (hyperpolarization activated cyclic nucleotide gated potassium channel 4; minus strand). Cytogenetic location: 15q24.1.
Variant type: single nucleotide variant.
Coding change: c.3568G>A on transcript NM_005477.3 (MANE Select); coding-DNA position 3568, G replaced by A.
Protein change: p.Ala1190Thr; replaces alanine 1190 with threonine.
Molecular consequence: missense variant.
Genome position (GRCh38, 1-based): chr15:73,322,525, C>T on the plus strand (G>A on the coding strand, the complement: HCN4 is on the minus strand). VCF-style: chr15-73322525-C-T. GRCh37 (hg19) VCF-style: chr15-73614866-C-T.
Other names: short protein forms A1190T.
Identifiers: ClinVar variation 404135 (VCV000404135.8), dbSNP rs372243234, ClinGen allele CA16614725.

ClinVar aggregate classification (germline): Uncertain significance. Review status: criteria provided, multiple submitters, no conflicts (2 of 4 stars). 2 submissions from 2 submitters: Uncertain significance (2). Last evaluated 2025-10-21.

Conditions:
Brugada syndrome 8 (BRGDA8). Identifiers: Orphanet 130, MedGen C2751083, MONDO:0013148, OMIM 613123.
Cardiovascular phenotype. Identifiers: MedGen CN230736.

Allele frequency attached by ClinVar (database versions not stated): gnomAD exomes below 0.00001; TOPMed 0.00002; ESP Exome Variant Server 0.00008; gnomAD 0.00001.
gnomAD v4.1: 31 of 1,603,696 alleles (0.0019%); highest among the groups gnomAD compares: Admixed American, 0.01%; no homozygotes.

Submissions (2):

Ambry Genetics
Classification: Uncertain significance for Cardiovascular phenotype. Last evaluated: 2025-10-21. Review status: criteria provided, single submitter. Criteria: Ambry Variant Classification Scheme 2023. Collection method: clinical testing. Allele origin: germline.

Labcorp Genetics (formerly Invitae), Labcorp
Classification: Uncertain significance for Brugada syndrome 8. Last evaluated: 2024-07-16. Review status: criteria provided, single submitter. Criteria: Invitae Variant Classification Sherloc (09022015). Collection method: clinical testing. Allele origin: germline.
Comment: This sequence change replaces alanine, which is neutral and non-polar, with threonine, which is neutral and polar, at codon 1190 of the HCN4 protein (p.Ala1190Thr). The frequency data for this variant in the population databases is considered unreliable, as metrics indicate poor data quality at this position in the gnomAD database. This variant has not been reported in the literature in individuals affected with HCN4-related conditions. ClinVar contains an entry for this variant (Variation ID: 404135). Advanced modeling of protein sequence and biophysical properties (such as structural, functional, and spatial information, amino acid conservation, physicochemical variation, residue mobility, and thermodynamic stability) performed at Invitae indicates that this missense variant is not expected to disrupt HCN4 protein function with a negative predictive value of 95%. In summary, the available evidence is currently insufficient to determine the role of this variant in disease. Therefore, it has been classified as a Variant of Uncertain Significance.